The following is an entry in ClinVar:

ClinVar aggregate classification (germline): Uncertain significance. Review status: criteria provided, multiple submitters, no conflicts (2 of 4 stars). 2 submissions from 2 submitters: Uncertain significance (2). Last evaluated 2024-09-05.

Allele frequency attached by ClinVar (database versions not stated): 1000 Genomes Project 0.00020; 1000 Genomes Project 30x 0.00031; gnomAD 0.00038; TOPMed 0.00042; ExAC 0.00046; ESP Exome Variant Server 0.00054; gnomAD exomes 0.00079.
gnomAD v4.1: 1,192 of 1,612,422 alleles (0.074%); highest among the groups gnomAD compares: Non-Finnish European, 0.097%; 2 homozygotes.

Submissions (2):

Blueprint Genetics
Classification: Uncertain significance. Last evaluated: 2024-09-05. Review status: criteria provided, single submitter. Criteria: ACMG Guidelines, 2015. Collection method: clinical testing. Allele origin: germline.

Labcorp Genetics (formerly Invitae), Labcorp
Classification: Uncertain significance. Last evaluated: 2023-10-13. Review status: criteria provided, single submitter. Criteria: Invitae Variant Classification Sherloc (09022015). Collection method: clinical testing. Allele origin: germline.
Comment: This sequence change replaces alanine, which is neutral and non-polar, with valine, which is neutral and non-polar, at codon 453 of the KATNB1 protein (p.Ala453Val). This variant is present in population databases (rs148485253, gnomAD 0.08%). This variant has not been reported in the literature in individuals affected with KATNB1-related conditions. ClinVar contains an entry for this variant (Variation ID: 2042029). An algorithm developed to predict the effect of missense changes on protein structure and function (PolyPhen-2) suggests that this variant is likely to be tolerated. In summary, the available evidence is currently insufficient to determine the role of this variant in disease. Therefore, it has been classified as a Variant of Uncertain Significance.

NM_005886.3(KATNB1):c.1358C>T (p.Ala453Val)

Gene: KATNB1 (katanin regulatory subunit B1; plus strand). Cytogenetic location: 16q21.
Variant type: single nucleotide variant.
Coding change: c.1358C>T on transcript NM_005886.3 (MANE Select); coding-DNA position 1358, C replaced by T.
Protein change: p.Ala453Val; replaces alanine 453 with valine.
Molecular consequence: missense variant.
Genome position (GRCh38, 1-based): chr16:57,755,180, C>T. VCF-style: chr16-57755180-C-T. GRCh37 (hg19) VCF-style: chr16-57789092-C-T.
Other names: short protein forms A453V.
Identifiers: ClinVar variation 2042029 (VCV002042029.5), dbSNP rs148485253, ClinGen allele CA8081178.